The following is an entry in ClinVar:

ClinVar aggregate classification (germline): Pathogenic (1 of 4 stars; one submission).

Submissions (2):

GeneDx
Classification: Pathogenic. Last evaluated: 2016-06-07. Review status: criteria provided, single submitter. Criteria: GeneDx Variant Classification (06012015). Collection method: clinical testing. Allele origin: germline. Affected: yes.
Comment: The R1882L variant in the SCN2A gene has been reported previously as a de novo variant in an individual with intractable epilepsy, intellectual disability, microcephaly, optic atrophy, and hypotonia (Baasch et al., 2014). Additionally different missense variants at the same position (R1882Q, R1882G) have been reported in association with SCN2A-related disorders (Carvill et al., 2013; Schwarz et al., 2016). The R1882L variant was not observed in approximately 6,500 individuals of European and African American ancestry in the NHLBI Exome Sequencing Project, indicating it is not a common benign variant in these populations. The R1882L variant is a non-conservative amino acid substitution, which is likely to impact secondary protein structure as these residues differ in polarity, charge, size and/or other properties. This substitution occurs at a conserved position predicted to be within the C-terminal cytoplasmic domain of the protein, and in silico analysis predicts this variant is probably damaging to the protein structure/function. Therefore, the presence of R1882L is consistent with a diagnosis of a SCN2A-related disorder

Channelopathy-Associated Epilepsy Research Center
No classification provided (evidence only). Condition: Complex neurodevelopmental disorder. Review status: no classification provided. Collection method: literature only. Allele origin: not applicable. Functional consequence: Normal peak current, Mild depolarizing shift of voltage dependence of activation, Normal slope of activation, Moderate depolarizing shift of voltage dependence of fast inactivation, Decrease in slope of fast inactivation, Normal rate of recovery from fast inactivation, Normal recovery from slow inactivation, Mild slowing of fast inactivation, Increase in ramp current, Mild increase in persistent current. Not counted in ClinVar's aggregate classification.
ClinVar note: "not provided" was previously submitted as the classification for the variant. However, the classification appeared to be based only on an observation of functional data so it was converted to no classification on 2025-07-30.

Literature cited by the submitters: PubMed 37578743 (cited by Channelopathy-Associated Epilepsy Research Center).

NM_001040142.2(SCN2A):c.5645G>T (p.Arg1882Leu)

Gene: SCN2A (sodium voltage-gated channel alpha subunit 2; plus strand). Cytogenetic location: 2q24.3.
Variant type: single nucleotide variant.
Coding change: c.5645G>T on transcript NM_001040142.2 (MANE Select); coding-DNA position 5645, G replaced by T.
Protein change: p.Arg1882Leu; replaces arginine 1882 with leucine.
Molecular consequence: missense variant.
Genome position (GRCh38, 1-based): chr2:165,389,451, G>T. VCF-style: chr2-165389451-G-T. GRCh37 (hg19) VCF-style: chr2-166245961-G-T.
Other names: p.R1882L:CGA>CTA; c.5645G>T, p.Arg1882Leu (NM_001040143.2, NM_001371246.1, NM_001371247.1 and 1 more transcripts); short protein forms R1882L.
Identifiers: ClinVar variation 207029 (VCV000207029.4), dbSNP rs794727444, ClinGen allele CA318048.